The following is an entry in ClinVar:

NM_001252024.2(TRPM1):c.286C>T (p.Arg96Cys)

Gene: TRPM1 (transient receptor potential cation channel subfamily M member 1; minus strand). Cytogenetic location: 15q13.3.
Variant type: single nucleotide variant.
Coding change: c.286C>T on transcript NM_001252024.2 (MANE Select); coding-DNA position 286, C replaced by T.
Protein change: p.Arg96Cys; replaces arginine 96 with cysteine.
Molecular consequence: missense variant.
Genome position (GRCh38, 1-based): chr15:31,068,086, G>A on the plus strand (C>T on the coding strand, the complement: TRPM1 is on the minus strand). VCF-style: chr15-31068086-G-A. GRCh37 (hg19) VCF-style: chr15-31360289-G-A.
Other names: c.337C>T, p.Arg113Cys (NM_001252020.2); c.220C>T, p.Arg74Cys (NM_002420.6); short protein forms R113C, R74C, R96C.
Identifiers: ClinVar variation 1448787 (VCV001448787.6), dbSNP rs774365264, ClinGen allele CA7452984.

ClinVar aggregate classification (germline): Uncertain significance. Review status: criteria provided, multiple submitters, no conflicts (2 of 4 stars). 2 submissions from 2 submitters: Uncertain significance (2). Last evaluated 2022-01-06.

Allele frequency attached by ClinVar (database versions not stated): gnomAD exomes 0.00002 and 0.00003; gnomAD 0.00003; ExAC 0.00004; TOPMed 0.00004.

Submissions (2):

Labcorp Genetics (formerly Invitae), Labcorp
Classification: Uncertain significance. Last evaluated: 2022-01-06. Review status: criteria provided, single submitter. Criteria: Invitae Variant Classification Sherloc (09022015). Collection method: clinical testing. Allele origin: germline.
Comment: This sequence change replaces arginine, which is basic and polar, with cysteine, which is neutral and slightly polar, at codon 74 of the TRPM1 protein (p.Arg74Cys). This variant is present in population databases (rs774365264, gnomAD 0.01%). This missense change has been observed in individuals with congenital stationary night blindness (PMID: 19878917, 19896109). Algorithms developed to predict the effect of missense changes on protein structure and function (SIFT, PolyPhen-2, Align-GVGD) all suggest that this variant is likely to be disruptive. In summary, the available evidence is currently insufficient to determine the role of this variant in disease. Therefore, it has been classified as a Variant of Uncertain Significance.

Blueprint Genetics
Classification: Uncertain significance. Last evaluated: 2021-09-24. Review status: criteria provided, single submitter. Criteria: ACMG Guidelines, 2015. Collection method: clinical testing. Allele origin: germline.

Literature cited by the submitters: PubMed 19878917 (cited by Labcorp Genetics (formerly Invitae), Labcorp); PubMed 19896109 (cited by Labcorp Genetics (formerly Invitae), Labcorp).